The following is an entry in ClinVar:

ClinVar aggregate classification (germline): Uncertain significance. Review status: criteria provided, multiple submitters, no conflicts (2 of 4 stars). 5 submissions from 5 submitters: Uncertain significance (5). Last evaluated 2025-10-27.

Conditions:
RYR1-related disorder. Also called: RYR1-related disorders; RYR1-related condition. Identifiers: MedGen CN239331.
Malignant hyperthermia, susceptibility to, 1 (MHS1). Also called: Anesthesia related hyperthermia; Malignant hyperpyrexia; Fulminating hyperpyrexia; Pharmacogenic myopathy; RYR1-Related Malignant Hyperthermia Susceptibility; Malignant hyperthermia suceptibility 1. Identifiers: Orphanet 423, MedGen C2930980, MONDO:0007783, OMIM 145600.

Allele frequency attached by ClinVar (database versions not stated): gnomAD exomes below 0.00001 and 0.00002; gnomAD 0.00001; ExAC 0.00002; TOPMed 0.00002; ESP Exome Variant Server 0.00008.
gnomAD v4.1: 32 of 1,612,986 alleles (0.002%); highest among the groups gnomAD compares: Non-Finnish European, 0.0025%; no homozygotes.

Submissions (5):

GeneDx
Classification: Uncertain significance. Last evaluated: 2025-10-27. Review status: criteria provided, single submitter. Criteria: GeneDx Variant Classification Process June 2021. Collection method: clinical testing. Allele origin: germline. Affected: yes.
Comment: Not observed at significant frequency in large population cohorts (gnomAD); In silico analysis supports that this missense variant has a deleterious effect on protein structure/function; Has not been previously published as pathogenic or benign to our knowledge; This variant is associated with the following publications: (PMID: 20681998, 33767344)

Color Diagnostics, LLC DBA Color Health
Classification: Uncertain significance for Malignant hyperthermia, susceptibility to, 1. Last evaluated: 2025-06-10. Review status: criteria provided, single submitter. Criteria: ACMG Guidelines, 2015. Collection method: clinical testing. Allele origin: germline.
Comment: This missense variant replaces proline with leucine at codon 4710 of the RYR1 protein. Computational prediction suggests that this variant may have deleterious impact on protein structure and function. To our knowledge, functional studies have not been reported for this variant. This variant has not been reported in individuals affected with RYR1-related disorders in the literature. This variant has been identified in 1/249404 chromosomes in the general population by the Genome Aggregation Database (gnomAD). The available evidence is insufficient to determine the role of this variant in disease conclusively. Therefore, this variant is classified as a Variant of Uncertain Significance.

All of Us Research Program, National Institutes of Health
Classification: Uncertain significance for Malignant hyperthermia, susceptibility to, 1. Last evaluated: 2024-09-23. Review status: criteria provided, single submitter. Criteria: ACMG Guidelines, 2015. Collection method: clinical testing. Allele origin: germline. Inheritance: Autosomal dominant inheritance. Observed: 12 variant alleles, 12 heterozygotes.
Comment: This missense variant replaces proline with leucine at codon 4710 of the RYR1 protein. Computational prediction suggests that this variant may have deleterious impact on protein structure and function (internally defined REVEL score threshold >= 0.7, PMID: 27666373). To our knowledge, functional studies have not been reported for this variant. This variant has not been reported in individuals affected with RYR1-related disorders in the literature. This variant has been identified in 1/249404 chromosomes in the general population by the Genome Aggregation Database (gnomAD). The available evidence is insufficient to determine the role of this variant in disease conclusively. Therefore, this variant is classified as a Variant of Uncertain Significance.

This study involves interpretation of variants in research participants for the purpose of population health screening. Participant phenotype was not available at the time of variant classification. Additional details can be found in publication PMID: 35346344, PMCID: PMC8962531

Labcorp Genetics (formerly Invitae), Labcorp
Classification: Uncertain significance for RYR1-related disorder. Last evaluated: 2021-10-14. Review status: criteria provided, single submitter. Criteria: Invitae Variant Classification Sherloc (09022015). Collection method: clinical testing. Allele origin: germline.
Comment: This sequence change replaces proline with leucine at codon 4710 of the RYR1 protein (p.Pro4710Leu). The proline residue is highly conserved and there is a moderate physicochemical difference between proline and leucine. This variant is present in population databases (rs370212445, ExAC 0.003%). This variant has not been reported in the literature in individuals affected with RYR1-related conditions. Algorithms developed to predict the effect of missense changes on protein structure and function are either unavailable or do not agree on the potential impact of this missense change (SIFT: "Deleterious"; PolyPhen-2: "Not Available"; Align-GVGD: "Class C0"). In summary, the available evidence is currently insufficient to determine the role of this variant in disease. Therefore, it has been classified as a Variant of Uncertain Significance.

Revvity Omics, Revvity
Classification: Uncertain significance. Last evaluated: 2021-07-09. Review status: criteria provided, single submitter. Criteria: ACMG Guidelines, 2015. Collection method: clinical testing. Allele origin: germline.

NM_000540.3(RYR1):c.14129C>T (p.Pro4710Leu)

Gene: RYR1 (ryanodine receptor 1; plus strand). Cytogenetic location: 19q13.2.
Variant type: single nucleotide variant.
Coding change: c.14129C>T on transcript NM_000540.3 (MANE Select); coding-DNA position 14129, C replaced by T.
Protein change: p.Pro4710Leu; replaces proline 4710 with leucine.
Molecular consequence: missense variant.
Genome position (GRCh38, 1-based): chr19:38,573,307, C>T. VCF-style: chr19-38573307-C-T. GRCh37 (hg19) VCF-style: chr19-39063947-C-T.
Other names: c.14114C>T, p.Pro4705Leu (NM_001042723.2); short protein forms P4705L, P4710L.
Identifiers: ClinVar variation 1052409 (VCV001052409.13), dbSNP rs370212445, ClinGen allele CA060854.